The following is an entry in ClinVar:

NM_000169.3(GLA):c.70T>A (p.Trp24Arg)

Genes: GLA (galactosidase alpha; minus strand), RPL36A-HNRNPH2 (RPL36A-HNRNPH2 readthrough; plus strand). Cytogenetic location: Xq22.1.
Variant type: single nucleotide variant.
Coding change: c.70T>A on transcript NM_000169.3 (MANE Select); coding-DNA position 70, T replaced by A.
Protein change: p.Trp24Arg; replaces tryptophan 24 with arginine.
Molecular consequence: missense variant. On other transcripts: non-coding transcript variant (3), intron variant (2).
Genome position (GRCh38, 1-based): chrX:101,407,834, A>T on the plus strand (T>A on the coding strand, the complement: GLA is on the minus strand). VCF-style: chrX-101407834-A-T. GRCh37 (hg19) VCF-style: chrX-100662822-A-T.
Other names: c.70T>A, p.Trp24Arg (NM_001406747.1, NM_001406748.1, NM_001406749.1); c.301-4102A>T (NM_001199973.2); c.178-4102A>T (NM_001199974.2); short protein forms W24R.
Identifiers: ClinVar variation 42459 (VCV000042459.30), dbSNP rs397515871, ClinGen allele CA021990.

ClinVar aggregate classification (germline): Uncertain significance. Review status: criteria provided, multiple submitters, no conflicts (2 of 4 stars). 12 submissions from 12 submitters: Uncertain significance (10). 2 of the submissions do not count toward it. Last evaluated 2026-09-08.

Conditions:
GLA-related disorder. Also called: GLA-related condition.
Cardiovascular phenotype. Identifiers: MedGen CN230736.
Cardiomyopathy (CMYO). Also called: Cardiomyopathies. Identifiers: Orphanet 167848, MedGen C0878544, MONDO:0004994, HP:0001638. Inheritance: Various modes of inheritance.
Fabry disease. Also called: Angiokeratoma corporis diffusum; Fabry's disease; Ceramide trihexosidosis; ALPHA-GALACTOSIDASE A DEFICIENCY; ANDERSON-FABRY DISEASE; CERAMIDE TRIHEXOSIDASE DEFICIENCY. Identifiers: Orphanet 324, MedGen C0002986, MONDO:0010526, OMIM 301500, HP:0001071. Disease mechanism: Fabry disease is due to inactivating mutations in the X-linked GLA gene resulting in deficiency of the enzyme Alpha Galactosidase-A., loss of function.

Allele frequency attached by ClinVar (database versions not stated): gnomAD exomes below 0.00001; TOPMed 0.00001.
gnomAD v4.1: 4 of 1,211,132 alleles (0.00033%); highest among the groups gnomAD compares: East Asian, 0.003%; no homozygotes.

Submissions (12):

Genomenon, Inc
Classification: Uncertain significance for Fabry disease. Last evaluated: 2026-09-08. Review status: criteria provided, single submitter. Criteria: Genomenon Sequence Variant Interpretation Standards - Updated. Collection method: curation. Allele origin: germline. Affected: no.
Comment: GLA p.Trp24Arg (c.70T>A) is a missense variant that changes the amino acid at codon 24 from Tryptophan to Arginine. This variant has been reported in the published literature (PMID:32802993;23465405;30093709;22336178;37332487;32843101;27657681). It is absent or not present at a significant frequency in gnomAD. In conclusion, we classify GLA p.Trp24Arg (c.70T>A) as a variant of uncertain significance.

PreventionGenetics, part of Exact Sciences
Classification: Uncertain significance for GLA-related condition. Last evaluated: 2026-07-26. Review status: criteria provided, single submitter. Criteria: ACMG Guidelines, 2015. Collection method: clinical testing. Allele origin: germline.
Comment: The GLA c.70T>A variant is predicted to result in the amino acid substitution p.Trp24Arg. This variant has been reported in individuals with hypertrophic cardiomyopathy (Al-Thihli et al. 2012. PubMed ID: 22336178; Supplementary Table S7, Alfares et al. 2015. PubMed ID: 25611685) and in individuals identified through newborn screening (Scott et al. 2013. PubMed ID: 23465405; Wasserstein et al. 2019. PubMed ID: 30093709). It has also been reported in individuals with Fabry disease; however, these individuals also carried another variant in GLA (Yoshida et al. 2020. PubMed ID: 32843101; Hirose et al. 2023. PubMed ID: 37332487). One in vitro experimental study suggested this variant retained ~80% of enzyme activity compared to wild type (Al-Thihli et al. 2012. PubMed ID: 22336178); however, other studies indicate this variant reduces enzyme activity by ~50% and is amenable to treatment by migalastat (Benjamin et al. 2017. PubMed ID: 27657681; Oommen et al. 2019. PubMed ID: 31036492). This variant has not been reported in a large population database (gnomAD), indicating it is rare. At this time, the clinical significance of this variant is uncertain due to the absence of conclusive functional and genetic evidence.

GeneDx
Classification: Uncertain significance. Last evaluated: 2025-11-19. Review status: criteria provided, single submitter. Criteria: GeneDx Variant Classification Process June 2021. Collection method: clinical testing. Allele origin: germline. Affected: yes.
Comment: Observed in the hemizygous state with a second variant in patients with features suggestive of Fabry disease in published literature; the variants appear on the same allele (in cis) in at least one individual (PMID: 37332487, 32843101); Observed in patients with isolated hypertrophic cardiomyopathy in published literature (PMID: 22336178, 27532257); Not observed at significant frequency in large population cohorts (gnomAD); In silico analysis suggests that this missense variant does not alter protein structure/function; This variant is associated with the following publications: (PMID: 22336178, 25382311, 27532257, 27657681, 23465405, 31036492, 36156392, 30093709, 32995357, 32843101, 37332487)

Labcorp Genetics (formerly Invitae), Labcorp
Classification: Uncertain significance for Fabry disease. Last evaluated: 2025-10-01. Review status: criteria provided, single submitter. Criteria: Invitae Variant Classification Sherloc (09022015). Collection method: clinical testing. Allele origin: germline.
Comment: This sequence change replaces tryptophan, which is neutral and slightly polar, with arginine, which is basic and polar, at codon 24 of the GLA protein (p.Trp24Arg). This variant is not present in population databases (gnomAD no frequency). This missense change has been observed in individual(s) with a positive newborn screening result for GLA-related disease and hypertrophic cardiomyopathy (PMID: 22336178, 23465405). ClinVar contains an entry for this variant (Variation ID: 42459). An algorithm developed to predict the effect of missense changes on protein structure and function outputs the following: PolyPhen-2: "Benign". The arginine amino acid residue is found in multiple mammalian species, which suggests that this missense change does not adversely affect protein function. Experimental studies are conflicting or provide insufficient evidence to determine the effect of this variant on GLA function (PMID: 22336178, 27657681, 31036492). In summary, the available evidence is currently insufficient to determine the role of this variant in disease. Therefore, it has been classified as a Variant of Uncertain Significance.

Color Diagnostics, LLC DBA Color Health
Classification: Uncertain significance for Fabry disease. Last evaluated: 2024-03-29. Review status: criteria provided, single submitter. Criteria: ACMG Guidelines, 2015. Collection method: clinical testing. Allele origin: germline.
Comment: This missense variant replaces tryptophan with arginine at codon 24 of the GLA protein. Computational prediction tools indicate that this variant has a neutral impact on protein structure and function. In-vitro functional studies in transfected HEK293 cells have provided conflicting results regarding the residual level of GLA enzyme activity (PMID: 22336178, 27657681). This variant has not been identified in the general population by the Genome Aggregation Database (gnomAD). The available evidence is insufficient to determine the role of this variant in disease conclusively. Therefore, this variant is classified as a Variant of Uncertain Significance.

Revvity Omics, Revvity
Classification: Uncertain significance. Last evaluated: 2023-04-17. Review status: criteria provided, single submitter. Criteria: ACMG Guidelines, 2015. Collection method: clinical testing. Allele origin: germline.

All of Us Research Program, National Institutes of Health
Classification: Uncertain significance for Fabry disease. Last evaluated: 2023-03-04. Review status: criteria provided, single submitter. Criteria: ACMG Guidelines, 2015. Collection method: clinical testing. Allele origin: germline. Inheritance: X-linked inheritance. Observed: 1 variant allele, 1 heterozygote.
Comment: This study involves interpretation of variants in research participants for the purpose of population health screening. Participant phenotype was not available at the time of variant classification. Additional details can be found in publication PMID: 35346344, PMCID: PMC8962531

Ambry Genetics
Classification: Uncertain significance for Cardiovascular phenotype. Last evaluated: 2022-09-21. Review status: criteria provided, single submitter. Criteria: Ambry Variant Classification Scheme 2023. Collection method: clinical testing. Allele origin: germline.
Comment: The p.W24R variant (also known as c.70T>A), located in coding exon 1 of the GLA gene, results from a T to A substitution at nucleotide position 70. The tryptophan at codon 24 is replaced by arginine, an amino acid with dissimilar properties. This amino acid position is not well conserved in available vertebrate species, and arginine is the reference amino acid in other vertebrate species. In addition, the in silico prediction for this alteration is inconclusive. Since supporting evidence is limited at this time, the clinical significance of this alteration remains unclear.

CHEO Genetics Diagnostic Laboratory, Children's Hospital of Eastern Ontario
Classification: Uncertain significance for Cardiomyopathy. Last evaluated: 2021-09-27. Review status: criteria provided, single submitter. Criteria: ACMG Guidelines, 2015. Collection method: clinical testing. Allele origin: germline. Study: Canadian Open Genetics Repository.

Genome-Nilou Lab
Classification: Uncertain significance for Fabry disease. Last evaluated: 2021-07-15. Review status: criteria provided, single submitter. Criteria: ACMG Guidelines, 2015. Collection method: clinical testing. Allele origin: germline. Affected: no.

Natera, Inc.
Classification: Uncertain significance for Fabry disease. Last evaluated: 2020-09-16. Review status: no assertion criteria provided. Collection method: clinical testing. Allele origin: germline. Not counted in ClinVar's aggregate classification.

Laboratory for Molecular Medicine, Mass General Brigham Personalized Medicine
Classification: Uncertain significance. Last evaluated: 2008-05-08. Review status: no assertion criteria provided. Collection method: clinical testing. Allele origin: germline. Observed: 2 variant alleles. Not counted in ClinVar's aggregate classification.

Literature cited by the submitters: PubMed 32802993 (cited by Genomenon, Inc); PubMed 23465405 (cited by 3 submitters); PubMed 30093709 (cited by Genomenon, Inc); PubMed 22336178 (cited by 4 submitters); PubMed 37332487 (cited by Genomenon, Inc); PubMed 32843101 (cited by Genomenon, Inc and Color Diagnostics, LLC DBA Color Health); PubMed 27657681 (cited by 3 submitters); PubMed 31036492 (cited by Labcorp Genetics (formerly Invitae), Labcorp); PubMed 25611685 (cited by Color Diagnostics, LLC DBA Color Health); PubMed 25382311 (cited by Ambry Genetics); PubMed 27532257 (cited by Ambry Genetics).